The following is an entry in ClinVar:

ClinVar aggregate classification (germline): Benign (1 of 4 stars; one submission).

Allele frequency attached by ClinVar (database versions not stated): 1000 Genomes Project 30x 0.62664; 1000 Genomes Project 0.63099; TOPMed 0.63900; gnomAD 0.64322 and 0.64567.
gnomAD v4.1: 656,642 of 969,736 alleles (68%); highest among the groups gnomAD compares: East Asian, 76%; 224,711 homozygotes.

Submission:

GeneDx
Classification: Benign. Last evaluated: 2018-06-19. Review status: criteria provided, single submitter. Criteria: GeneDx Variant Classification (06012015). Collection method: clinical testing. Allele origin: germline. Affected: yes.
Comment: This variant is considered likely benign or benign based on one or more of the following criteria: it is a conservative change, it occurs at a poorly conserved position in the protein, it is predicted to be benign by multiple in silico algorithms, and/or has population frequency not consistent with disease.

NM_002615.7(SERPINF1):c.439+127T>C

Gene: SERPINF1 (serpin family F member 1; plus strand). Cytogenetic location: 17p13.3.
Variant type: single nucleotide variant.
Coding change: c.439+127T>C on transcript NM_002615.7 (MANE Select); 127 bases into the intron after coding-DNA position 439, T replaced by C.
Molecular consequence: intron variant.
Genome position (GRCh38, 1-based): chr17:1,771,311, T>C. VCF-style: chr17-1771311-T-C. GRCh37 (hg19) VCF-style: chr17-1674605-T-C.
Other names: c.-123+127T>C (NM_001329904.2); c.439+127T>C (NM_001329903.2).
Identifiers: ClinVar variation 667593 (VCV000667593.1), dbSNP rs4491566, ClinGen allele CA14414999.